The following is an entry in ClinVar:

NM_000531.6(OTC):c.663+1G>A

Gene: OTC (ornithine transcarbamylase; plus strand). Cytogenetic location: Xp11.4.
Variant type: single nucleotide variant.
Coding change: c.663+1G>A on transcript NM_000531.6 (MANE Select); the canonical splice donor site of the intron after coding-DNA position 663, G replaced by A.
Molecular consequence: splice donor variant.
Genome position (GRCh38, 1-based): chrX:38,403,741, G>A. VCF-style: chrX-38403741-G-A. GRCh37 (hg19) VCF-style: chrX-38262994-G-A.
Other names: c.663+1G>A (NM_001407092.1).
Identifiers: ClinVar variation 97283 (VCV000097283.2), dbSNP rs68170503, ClinGen allele CA224730.

ClinVar aggregate classification (germline): Pathogenic (0 of 4 stars; one submission).

Submission:

GenMed Metabolism Lab
Classification: Pathogenic. Review status: no assertion criteria provided. Collection method: not provided. Allele origin: unknown.
ClinVar note: Converted during submission from pathogenic to Pathogenic.